The following is an entry in ClinVar:

ClinVar aggregate classification (germline): Uncertain significance (1 of 4 stars; one submission).

gnomAD v4.1: 27 of 1,614,092 alleles (0.0017%); highest among the groups gnomAD compares: African/African-American, 0.032%; no homozygotes.

Submission:

GeneDx
Classification: Uncertain significance. Last evaluated: 2023-02-01. Review status: criteria provided, single submitter. Criteria: GeneDx Variant Classification Process June 2021. Collection method: clinical testing. Allele origin: germline. Affected: yes.
Comment: In silico analysis supports that this missense variant does not alter protein structure/function; Has not been previously published as pathogenic or benign to our knowledge

NM_014967.5(FAN1):c.2418C>G (p.Asp806Glu)

Genes: FAN1 (FANCD2 and FANCI associated nuclease 1; plus strand), MTMR10 (myotubularin related protein 10; minus strand). Cytogenetic location: 15q13.3.
Variant type: single nucleotide variant.
Coding change: c.2418C>G on transcript NM_014967.5 (MANE Select); coding-DNA position 2418, C replaced by G.
Protein change: p.Asp806Glu; replaces aspartic acid 806 with glutamic acid.
Molecular consequence: missense variant.
Genome position (GRCh38, 1-based): chr15:30,925,869, C>G. VCF-style: chr15-30925869-C-G. GRCh37 (hg19) VCF-style: chr15-31218072-C-G.
Other names: short protein forms D806E.
Identifiers: ClinVar variation 2574796 (VCV002574796.1), dbSNP rs143461130, ClinGen allele CA7450611.